The following is an entry in ClinVar:

NM_020795.4(NLGN2):c.658+5G>A

Gene: NLGN2 (neuroligin 2; plus strand). Cytogenetic location: 17p13.1.
Variant type: single nucleotide variant.
Coding change: c.658+5G>A on transcript NM_020795.4 (MANE Select); 5 bases into the intron after coding-DNA position 658, G replaced by A.
Molecular consequence: intron variant.
Genome position (GRCh38, 1-based): chr17:7,414,498, G>A. VCF-style: chr17-7414498-G-A. GRCh37 (hg19) VCF-style: chr17-7317817-G-A.
Identifiers: ClinVar variation 3647594 (VCV003647594.2).

ClinVar aggregate classification (germline): Uncertain significance (1 of 4 stars; one submission).

Submission:

Labcorp Genetics (formerly Invitae), Labcorp
Classification: Uncertain significance. Last evaluated: 2024-03-25. Review status: criteria provided, single submitter. Criteria: Invitae Variant Classification Sherloc (09022015). Collection method: clinical testing. Allele origin: germline.
Comment: This sequence change falls in intron 3 of the NLGN2 gene. It does not directly change the encoded amino acid sequence of the NLGN2 protein. It affects a nucleotide within the consensus splice site. This variant is not present in population databases (gnomAD no frequency). This variant has not been reported in the literature in individuals affected with NLGN2-related conditions. Variants that disrupt the consensus splice site are a relatively common cause of aberrant splicing (PMID: 17576681, 9536098). Algorithms developed to predict the effect of sequence changes on RNA splicing suggest that this variant may disrupt the consensus splice site. In summary, the available evidence is currently insufficient to determine the role of this variant in disease. Therefore, it has been classified as a Variant of Uncertain Significance.

Literature cited by the submitters: PubMed 17576681; PubMed 9536098.